The following is an entry in ClinVar:

NM_004260.4(RECQL4):c.1492A>G (p.Thr498Ala)

Gene: RECQL4 (RecQ like helicase 4; minus strand). Cytogenetic location: 8q24.3.
Variant type: single nucleotide variant.
Coding change: c.1492A>G on transcript NM_004260.4 (MANE Select); coding-DNA position 1492, A replaced by G.
Protein change: p.Thr498Ala; replaces threonine 498 with alanine.
Molecular consequence: missense variant. On other transcripts: non-coding transcript variant (3), intron variant (2).
Genome position (GRCh38, 1-based): chr8:144,515,064, T>C on the plus strand (A>G on the coding strand, the complement: RECQL4 is on the minus strand). VCF-style: chr8-144515064-T-C. GRCh37 (hg19) VCF-style: chr8-145740448-T-C.
Other names: c.1396A>G, p.Thr466Ala (NM_001413017.1, NM_001413020.1); c.1492A>G, p.Thr498Ala (NM_001413018.1, NM_001413019.1, NM_001413033.1 and 1 more transcripts); c.421A>G, p.Thr141Ala (NM_001413021.1, NM_001413022.1, NM_001413023.1 and 7 more transcripts); c.1363A>G, p.Thr455Ala (NM_001413025.1); c.355A>G, p.Thr119Ala (NM_001413027.1, NM_001413030.1, NM_001413031.1 and 2 more transcripts); c.1141A>G, p.Thr381Ala (NM_001413029.1); c.25A>G, p.Thr9Ala (NM_001413043.1); c.1484-22A>G (NM_001413039.1); and 1 more; short protein forms T141A, T498A, T119A, T381A, T455A, T466A, T9A.
Identifiers: ClinVar variation 2832134 (VCV002832134.3), dbSNP rs2130704390, ClinGen allele CA372684318.

ClinVar aggregate classification (germline): Uncertain significance (1 of 4 stars; one submission).

Conditions:
Baller-Gerold syndrome (BGS). Also called: CRANIOSYNOSTOSIS WITH RADIAL DEFECTS. Identifiers: Orphanet 1225, MedGen C0265308, MONDO:0009039, OMIM 218600.

Submission:

Labcorp Genetics (formerly Invitae), Labcorp
Classification: Uncertain significance for Baller-Gerold syndrome. Last evaluated: 2023-02-04. Review status: criteria provided, single submitter. Criteria: Invitae Variant Classification Sherloc (09022015). Collection method: clinical testing. Allele origin: germline.
Comment: Advanced modeling of protein sequence and biophysical properties (such as structural, functional, and spatial information, amino acid conservation, physicochemical variation, residue mobility, and thermodynamic stability) performed at Invitae indicates that this missense variant is expected to disrupt RECQL4 protein function. In summary, the available evidence is currently insufficient to determine the role of this variant in disease. Therefore, it has been classified as a Variant of Uncertain Significance. This variant has not been reported in the literature in individuals affected with RECQL4-related conditions. This variant is not present in population databases (gnomAD no frequency). This sequence change replaces threonine, which is neutral and polar, with alanine, which is neutral and non-polar, at codon 498 of the RECQL4 protein (p.Thr498Ala).